The following is an entry in ClinVar:

ClinVar aggregate classification (germline): Uncertain significance (1 of 4 stars; one submission).

Conditions:
Inborn genetic diseases. Identifiers: MedGen C0950123, MeSH D030342.

Submission:

Ambry Genetics
Classification: Uncertain significance for Inborn genetic diseases. Last evaluated: 2023-09-19. Review status: criteria provided, single submitter. Criteria: Ambry Variant Classification Scheme 2023. Collection method: clinical testing. Allele origin: germline.
Comment: The p.A294D variant (also known as c.881C>A), located in coding exon 7 of the ACD gene, results from a C to A substitution at nucleotide position 881. The alanine at codon 294 is replaced by aspartic acid, an amino acid with dissimilar properties. This amino acid position is conserved. In addition, this alteration is predicted to be tolerated by in silico analysis. Since supporting evidence is limited at this time, the clinical significance of this alteration remains unclear.

NM_001082486.2(ACD):c.623C>A (p.Ala208Asp)

Gene: ACD (ACD shelterin complex subunit and telomerase recruitment factor; minus strand). Cytogenetic location: 16q22.1.
Variant type: single nucleotide variant.
Coding change: c.623C>A on transcript NM_001082486.2 (MANE Select); coding-DNA position 623, C replaced by A.
Protein change: p.Ala208Asp; replaces alanine 208 with aspartic acid.
Molecular consequence: missense variant.
Genome position (GRCh38, 1-based): chr16:67,658,950, G>T on the plus strand (C>A on the coding strand, the complement: ACD is on the minus strand). VCF-style: chr16-67658950-G-T. GRCh37 (hg19) VCF-style: chr16-67692853-G-T.
Other names: c.623C>A, p.Ala208Asp (NM_001410884.1); c.614C>A, p.Ala205Asp (NM_022914.3); short protein forms A205D, A208D.
Identifiers: ClinVar variation 3232689 (VCV003232689.1), dbSNP rs2543603321, ClinGen allele CA396353927.